The following is an entry in ClinVar:

ClinVar aggregate classification (germline): Pathogenic/Likely pathogenic. Review status: criteria provided, multiple submitters, no conflicts (2 of 4 stars). 2 submissions from 2 submitters: Pathogenic (1); Likely pathogenic (1). Last evaluated 2026-02-05.

Conditions:
LAMA2-related muscular dystrophy (LAMA2-RD). Also called: Laminin alpha 2-related dystrophy. Identifiers: MedGen C5679788, MONDO:0100228.

Submissions (2):

GeneDx
Classification: Likely pathogenic. Last evaluated: 2026-02-05. Review status: criteria provided, single submitter. Criteria: GeneDx Variant Classification Process June 2021. Collection method: clinical testing. Allele origin: germline.
Comment: Reported in a proband with a congenital muscular dystrophy; however, additional clinical and genotype information were not provided (PMID: 28688748); Frameshift variant predicted to result in protein truncation or nonsense mediated decay in a gene for which loss of function is a known mechanism of disease; Not observed at significant frequency in large population cohorts (gnomAD); This variant is associated with the following publications: (PMID: 28688748)

Labcorp Genetics (formerly Invitae), Labcorp
Classification: Pathogenic for LAMA2-related muscular dystrophy. Last evaluated: 2024-09-06. Review status: criteria provided, single submitter. Criteria: Invitae Variant Classification Sherloc (09022015). Collection method: clinical testing. Allele origin: germline.
Comment: This sequence change creates a premature translational stop signal (p.Arg2794Glufs*25) in the LAMA2 gene. It is expected to result in an absent or disrupted protein product. Loss-of-function variants in LAMA2 are known to be pathogenic (PMID: 18700894, 32904964). This variant is not present in population databases (gnomAD no frequency). This premature translational stop signal has been observed in individual(s) with congenital muscular dystrophy (PMID: 28688748). For these reasons, this variant has been classified as Pathogenic.

Literature cited by the submitters: PubMed 18700894 (cited by Labcorp Genetics (formerly Invitae), Labcorp); PubMed 32904964 (cited by Labcorp Genetics (formerly Invitae), Labcorp); PubMed 28688748 (cited by Labcorp Genetics (formerly Invitae), Labcorp).

NM_000426.4(LAMA2):c.8380del (p.Arg2794fs)

Gene: LAMA2 (laminin subunit alpha 2; plus strand). Cytogenetic location: 6q22.33.
Variant type: Deletion.
Coding change: c.8380del on transcript NM_000426.4 (MANE Select); coding-DNA position 8380, one base deleted (A; older notation c.8380delA).
Protein change: p.Arg2794fs; shifts the reading frame from arginine 2794.
Molecular consequence: frameshift variant.
Genome position (GRCh38, 1-based): chr6:129,503,113, A deleted; the last of 2 consecutive A bases (chr6:129,503,112-129,503,113); deleting either gives the same sequence. VCF-style (leftmost placement, unchanged base first): chr6-129503111-TA-T. GRCh37 (hg19) VCF-style: chr6-129824256-TA-T.
Other names: c.8380delA, p.Arg2794Glufs (NM_000426.3); c.8368del, p.Arg2790fs (NM_001079823.2); c.8380del (NM_000426.3); short protein forms R2794fs, R2790fs.
Identifiers: ClinVar variation 3720716 (VCV003720716.3).
Genomic context (GRCh38, chr6:129,503,111, plus strand): 5'-GTTATTTTTCTGTTTGACTTTGCATGCTTTTGTTTCACAGTCTCACAATTGAGTTGGAAG[TA>T]AGAACCGAAGCTGAATCCGGCTTGCTTTTTTACATGGCTCGCATCAATCATGCTGATTTT-3'